The following is an entry in ClinVar:

NM_001386795.1(DTNA):c.148+1G>A

Genes: DTNA (dystrobrevin alpha; plus strand), DTNA-AS1 (DTNA antisense RNA 1; minus strand). Cytogenetic location: 18q12.1.
Variant type: single nucleotide variant.
Coding change: c.148+1G>A on transcript NM_001386795.1 (MANE Select); the canonical splice donor site of the intron after coding-DNA position 148, G replaced by A.
Molecular consequence: splice donor variant.
Genome position (GRCh38, 1-based): chr18:34,766,042, G>A. VCF-style: chr18-34766042-G-A. GRCh37 (hg19) VCF-style: chr18-32346006-G-A.
Other names: c.148+1G>A (NM_001386758.1, NM_001386759.1, NM_001386766.1 and 35 more transcripts).
Identifiers: ClinVar variation 2724660 (VCV002724660.3), dbSNP rs569911314, ClinGen allele CA402274746.
Genomic context (GRCh38, chr18:34,766,042, plus strand): 5'-TCCGACTCTCCACCTACAGAACAGCATGCAAGCTTAGGTTTGTTCAGAAGAAATGCAATT[G>A]TAAGTATGCCAGTTGTTTGGACTAATTACCATCATGAATCCTATAGTTTACATTTGGTAC-3'

ClinVar aggregate classification (germline): Uncertain significance (1 of 4 stars; one submission).

Conditions:
Left ventricular noncompaction 1 (LVNC1). Also called: LEFT VENTRICULAR NONCOMPACTION 1 WITH OR WITHOUT CONGENITAL HEART DEFECTS. Identifiers: Orphanet 54260, MedGen C1858725, MONDO:0011403, OMIM 604169.

Allele frequency attached by ClinVar (database versions not stated): TOPMed below 0.00001; gnomAD 0.00001.
gnomAD v4.1: 1 of 1,613,506 alleles (0.000062%); highest among the groups gnomAD compares: African/African-American, 0.0013%; no homozygotes.

Submission:

Labcorp Genetics (formerly Invitae), Labcorp
Classification: Uncertain significance for Left ventricular noncompaction 1. Last evaluated: 2023-09-01. Review status: criteria provided, single submitter. Criteria: Invitae Variant Classification Sherloc (09022015). Collection method: clinical testing. Allele origin: germline.
Comment: Algorithms developed to predict the effect of sequence changes on RNA splicing suggest that this variant may disrupt the consensus splice site. This sequence change affects a donor splice site in intron 2 of the DTNA gene. It is expected to disrupt RNA splicing. Variants that disrupt the donor or acceptor splice site typically lead to a loss of protein function (PMID: 16199547), however the current clinical and genetic evidence is not sufficient to establish whether loss-of-function variants in DTNA cause disease. This variant is not present in population databases (gnomAD no frequency). This variant has not been reported in the literature in individuals affected with DTNA-related conditions. In summary, the available evidence is currently insufficient to determine the role of this variant in disease. Therefore, it has been classified as a Variant of Uncertain Significance.

Literature cited by the submitters: PubMed 16199547.